The following is an entry in ClinVar:

ClinVar aggregate classification (germline): Uncertain significance (1 of 4 stars; one submission).

Allele frequency attached by ClinVar (database versions not stated): gnomAD exomes below 0.00001.

Submission:

Labcorp Genetics (formerly Invitae), Labcorp
Classification: Uncertain significance. Last evaluated: 2020-11-17. Review status: criteria provided, single submitter. Criteria: Invitae Variant Classification Sherloc (09022015). Collection method: clinical testing. Allele origin: germline.
Comment: This sequence change replaces alanine with threonine at codon 435 of the RETREG1 protein (p.Ala435Thr). The alanine residue is moderately conserved and there is a small physicochemical difference between alanine and threonine. This variant is not present in population databases (ExAC no frequency). This variant has not been reported in the literature in individuals with RETREG1-related conditions. Algorithms developed to predict the effect of missense changes on protein structure and function output the following: SIFT: "Tolerated"; PolyPhen-2: "Benign"; Align-GVGD: "Class C0". The threonine amino acid residue is found in multiple mammalian species, suggesting that this missense change does not adversely affect protein function. These predictions have not been confirmed by published functional studies and their clinical significance is uncertain. In summary, the available evidence is currently insufficient to determine the role of this variant in disease. Therefore, it has been classified as a Variant of Uncertain Significance.

NM_001034850.3(RETREG1):c.1303G>A (p.Ala435Thr)

Gene: RETREG1 (reticulophagy regulator 1; minus strand). Cytogenetic location: 5p15.1.
Variant type: single nucleotide variant.
Coding change: c.1303G>A on transcript NM_001034850.3 (MANE Select); coding-DNA position 1303, G replaced by A.
Protein change: p.Ala435Thr; replaces alanine 435 with threonine.
Molecular consequence: missense variant.
Genome position (GRCh38, 1-based): chr5:16,474,932, C>T on the plus strand (G>A on the coding strand, the complement: RETREG1 is on the minus strand). VCF-style: chr5-16474932-C-T. GRCh37 (hg19) VCF-style: chr5-16475041-C-T.
Other names: c.880G>A, p.Ala294Thr (NM_019000.5); short protein forms A435T, A294T.
Identifiers: ClinVar variation 1443880 (VCV001443880.8), dbSNP rs2126505295, ClinGen allele CA359255960.